The following is an entry in ClinVar:

NM_002661.5(PLCG2):c.1998C>T (p.Asp666=)

Gene: PLCG2 (phospholipase C gamma 2; plus strand). Cytogenetic location: 16q23.3.
Variant type: single nucleotide variant.
Coding change: c.1998C>T on transcript NM_002661.5 (MANE Select); coding-DNA position 1998, C replaced by T.
Protein change: p.Asp666=; no amino-acid change (aspartic acid 666 retained).
Molecular consequence: synonymous variant.
Genome position (GRCh38, 1-based): chr16:81,912,660, C>T. VCF-style: chr16-81912660-C-T. GRCh37 (hg19) VCF-style: chr16-81946265-C-T.
Identifiers: ClinVar variation 760523 (VCV000760523.36), dbSNP rs745784908, ClinGen allele CA8194033.
Genomic context (GRCh38, chr16:81,912,660, plus strand): 5'-GTACTATGACAGCCTGAGCCGCGGAGAGGCAGAGGACATGCTGATGAGGATTCCCCGGGA[C>T]GGGGCCTTCCTGATCCGGAAGCGAGAGGGGAGCGACTCCTATGCCATCACCTTCAGGTGG-3'
Protein context (NP_002652.2, residues 656-676): AEDMLMRIPR[Asp666=]GAFLIRKREG

ClinVar aggregate classification (germline): Likely benign. Review status: criteria provided, multiple submitters, no conflicts (2 of 4 stars). 3 submissions from 3 submitters: Likely benign (3). Last evaluated 2026-01-05.

Conditions:
Familial cold autoinflammatory syndrome 3 (FCAS3). Also called: ANTIBODY DEFICIENCY AND IMMUNE DYSREGULATION, PLCG2-ASSOCIATED; FAMILIAL ATYPICAL COLD URTICARIA. Identifiers: Orphanet 300359, MedGen C3280914, MONDO:0013766, OMIM 614468.
Autoinflammation-PLCG2-associated antibody deficiency-immune dysregulation. Also called: AUTOINFLAMMATION, ANTIBODY DEFICIENCY, AND IMMUNE DYSREGULATION; Autoinflammation, antibody deficiency, and immune dysregulation, plcg2-associated; Autoinflammation, antibody deficiency, and immune dysregulation syndrome. Identifiers: Orphanet 324530, MedGen C3553961, MONDO:0013944, OMIM 614878.

Allele frequency attached by ClinVar (database versions not stated): gnomAD 0.00006; TOPMed 0.00013.
gnomAD v4.1: 148 of 1,612,782 alleles (0.0092%); highest among the groups gnomAD compares: South Asian, 0.05%; no homozygotes.

Submissions (3):

Labcorp Genetics (formerly Invitae), Labcorp
Classification: Likely benign for Familial cold autoinflammatory syndrome 3. Last evaluated: 2026-01-05. Review status: criteria provided, single submitter. Criteria: Invitae Variant Classification Sherloc (09022015). Collection method: clinical testing. Allele origin: germline.

CeGaT Center for Human Genetics Tuebingen
Classification: Likely benign. Last evaluated: 2023-03-01. Review status: criteria provided, single submitter. Criteria: CeGaT Center For Human Genetics Tuebingen Variant Classification Criteria Version 2. Collection method: clinical testing. Allele origin: germline. Affected: yes. Observed: 2 variant alleles.
Comment: PLCG2: BP4, BP7

Fulgent Genetics
Classification: Likely benign for Familial cold autoinflammatory syndrome 3; Autoinflammation-PLCG2-associated antibody deficiency-immune dysregulation. Last evaluated: 2022-03-29. Review status: criteria provided, single submitter. Criteria: ACMG Guidelines, 2015. Collection method: clinical testing. Allele origin: unknown.